The following is an entry in ClinVar:

NM_001164277.2(SLC37A4):c.495G>A (p.Trp165Ter)

Gene: SLC37A4 (solute carrier family 37 member 4; minus strand). Cytogenetic location: 11q23.3.
Variant type: single nucleotide variant.
Coding change: c.495G>A on transcript NM_001164277.2 (MANE Select); coding-DNA position 495, G replaced by A.
Protein change: p.Trp165Ter; replaces tryptophan 165 with a stop codon.
Molecular consequence: nonsense.
Genome position (GRCh38, 1-based): chr11:119,027,759, C>T on the plus strand (G>A on the coding strand, the complement: SLC37A4 is on the minus strand). VCF-style: chr11-119027759-C-T. GRCh37 (hg19) VCF-style: chr11-118898469-C-T.
Other names: c.495G>A, p.Trp165Ter (NM_001164278.2, NM_001164280.2, NM_001467.6); c.276G>A, p.Trp92Ter (NM_001164279.2); short protein forms W92*, W165*.
Identifiers: ClinVar variation 861962 (VCV000861962.3), dbSNP rs1233639372, ClinGen allele CA382902877.

ClinVar aggregate classification (germline): Pathogenic (1 of 4 stars; one submission).

Conditions:
Glucose-6-phosphate transport defect (GSD1B). Also called: Glycogen Storage Disease Type Ib; GSD Ib. Identifiers: Orphanet 364, Orphanet 79259, MedGen C0268146, MONDO:0009288, OMIM 232220.

Submission:

Labcorp Genetics (formerly Invitae), Labcorp
Classification: Pathogenic for Glucose-6-phosphate transport defect. Last evaluated: 2019-01-16. Review status: criteria provided, single submitter. Criteria: Invitae Variant Classification Sherloc (09022015). Collection method: clinical testing. Allele origin: germline.
Comment: This sequence change creates a premature translational stop signal (p.Trp165*) in the SLC37A4 gene. It is expected to result in an absent or disrupted protein product. This variant is not present in population databases (ExAC no frequency). This variant has not been reported in the literature in individuals with SLC37A4-related conditions. Loss-of-function variants in SLC37A4 are known to be pathogenic (PMID: 9758626, 10940311). For these reasons, this variant has been classified as Pathogenic.

Literature cited by the submitters: PubMed 9758626; PubMed 10940311.